The following is an entry in ClinVar:

ClinVar aggregate classification (germline): Uncertain significance. Review status: criteria provided, multiple submitters, no conflicts (2 of 4 stars). 2 submissions from 2 submitters: Uncertain significance (2). Last evaluated 2025-10-25.

Conditions:
Hereditary cancer-predisposing syndrome. Also called: Neoplastic Syndromes, Hereditary; Hereditary neoplastic syndrome; Tumor predisposition; Hereditary Cancer Syndrome. Identifiers: Orphanet 140162, MedGen C0027672, MeSH D009386, MONDO:0015356.
Ataxia-telangiectasia syndrome (AT). Also called: Ataxia-telangiectasia, complementation group D; AT, COMPLEMENTATION GROUP C; Ataxia telangiectasia (A-T); Cerebello-oculocutaneous telangiectasia; Immunodeficiency with ataxia telangiectasia; ATAXIA-TELANGIECTASIA, COMPLEMENTATION GROUP A. Identifiers: Orphanet 100, MedGen C0004135, MONDO:0008840, OMIM 208900.

Submissions (2):

Ambry Genetics
Classification: Uncertain significance for Hereditary cancer-predisposing syndrome. Last evaluated: 2025-10-25. Review status: criteria provided, single submitter. Criteria: Ambry Variant Classification Scheme 2023. Collection method: clinical testing. Allele origin: germline.
Comment: The p.S378N variant (also known as c.1133G>A), located in coding exon 8 of the ATM gene, results from a G to A substitution at nucleotide position 1133. The serine at codon 378 is replaced by asparagine, an amino acid with highly similar properties. This amino acid position is conserved. In addition, this alteration is predicted to be tolerated by in silico analysis. Based on the available evidence, the clinical significance of this variant remains unclear.

Labcorp Genetics (formerly Invitae), Labcorp
Classification: Uncertain significance for Ataxia-telangiectasia syndrome. Last evaluated: 2018-11-27. Review status: criteria provided, single submitter. Criteria: Invitae Variant Classification Sherloc (09022015). Collection method: clinical testing. Allele origin: germline.
Comment: In summary, the available evidence is currently insufficient to determine the role of this variant in disease. Therefore, it has been classified as a Variant of Uncertain Significance. Algorithms developed to predict the effect of missense changes on protein structure and function output the following: SIFT: "Tolerated"; PolyPhen-2: "Benign"; Align-GVGD: "Class C0". The asparagine amino acid residue is found in multiple mammalian species, suggesting that this missense change does not adversely affect protein function. These predictions have not been confirmed by published functional studies and their clinical significance is uncertain. This variant has not been reported in the literature in individuals with ATM-related conditions. This variant is not present in population databases (ExAC no frequency). This sequence change replaces serine with asparagine at codon 378 of the ATM protein (p.Ser378Asn). The serine residue is weakly conserved and there is a small physicochemical difference between serine and asparagine.

NM_000051.4(ATM):c.1133G>A (p.Ser378Asn)

Gene: ATM (ATM serine/threonine kinase; plus strand). Cytogenetic location: 11q22.3.
Variant type: single nucleotide variant.
Coding change: c.1133G>A on transcript NM_000051.4 (MANE Select); coding-DNA position 1133, G replaced by A.
Protein change: p.Ser378Asn; replaces serine 378 with asparagine.
Molecular consequence: missense variant.
Genome position (GRCh38, 1-based): chr11:108,249,000, G>A. VCF-style: chr11-108249000-G-A. GRCh37 (hg19) VCF-style: chr11-108119727-G-A.
Other names: c.1133G>A, p.Ser378Asn (NM_001351834.2); short protein forms S378N.
Identifiers: ClinVar variation 665743 (VCV000665743.9), dbSNP rs1591517681, ClinGen allele CA382532448.